The following is an entry in ClinVar:

ClinVar aggregate classification (germline): Uncertain significance (1 of 4 stars; one submission).

Allele frequency attached by ClinVar (database versions not stated): gnomAD 0.00001; TOPMed 0.00001; ExAC 0.00004; ESP Exome Variant Server 0.00016.

Submission:

Labcorp Genetics (formerly Invitae), Labcorp
Classification: Uncertain significance. Last evaluated: 2023-10-08. Review status: criteria provided, single submitter. Criteria: Invitae Variant Classification Sherloc (09022015). Collection method: clinical testing. Allele origin: germline.
Comment: This sequence change replaces arginine, which is basic and polar, with glutamine, which is neutral and polar, at codon 363 of the MYO5B protein (p.Arg363Gln). The frequency data for this variant in the population databases is considered unreliable, as metrics indicate poor data quality at this position in the gnomAD database. This variant has not been reported in the literature in individuals affected with MYO5B-related conditions. Advanced modeling of protein sequence and biophysical properties (such as structural, functional, and spatial information, amino acid conservation, physicochemical variation, residue mobility, and thermodynamic stability) performed at Invitae indicates that this missense variant is not expected to disrupt MYO5B protein function. In summary, the available evidence is currently insufficient to determine the role of this variant in disease. Therefore, it has been classified as a Variant of Uncertain Significance.

NM_001080467.3(MYO5B):c.1088G>A (p.Arg363Gln)

Gene: MYO5B (myosin VB; minus strand). Cytogenetic location: 18q21.1.
Variant type: single nucleotide variant.
Coding change: c.1088G>A on transcript NM_001080467.3 (MANE Select); coding-DNA position 1088, G replaced by A.
Protein change: p.Arg363Gln; replaces arginine 363 with glutamine.
Molecular consequence: missense variant.
Genome position (GRCh38, 1-based): chr18:49,974,584, C>T on the plus strand (G>A on the coding strand, the complement: MYO5B is on the minus strand). VCF-style: chr18-49974584-C-T. GRCh37 (hg19) VCF-style: chr18-47500954-C-T.
Other names: short protein forms R363Q.
Identifiers: ClinVar variation 2982048 (VCV002982048.1), dbSNP rs369568383, ClinGen allele CA8961641.
Genomic context (GRCh38, chr18:49,974,584, plus strand): 5'-GTGACCAGCTTGCGATGACACAGCCAGTGCTCCATCTGACTGTGCTCCACCCCTAGCAGT[C>T]GGCAGAAGTTGCTTAGGTATACATCCTGGGGCTGTGGGAGATGGGGGAGATAGGTTCAGG-3'
Protein context (NP_001073936.1, residues 353-373): PQDVYLSNFC[Arg363Gln]LLGVEHSQME